The following is an entry in ClinVar:

ClinVar aggregate classification (germline): Uncertain significance. Review status: criteria provided, multiple submitters, no conflicts (2 of 4 stars). 2 submissions from 2 submitters: Uncertain significance (2). Last evaluated 2025-07-21.

Allele frequency attached by ClinVar (database versions not stated): ExAC 0.00001; gnomAD 0.00001; TOPMed 0.00001; ESP Exome Variant Server 0.00008.
gnomAD v4.1: 13 of 1,613,980 alleles (0.00081%); highest among the groups gnomAD compares: Non-Finnish European, 0.0011%; no homozygotes.

Submissions (2):

Women's Health and Genetics/Laboratory Corporation of America, LabCorp
Classification: Uncertain significance. Last evaluated: 2025-07-21. Review status: criteria provided, single submitter. Criteria: LabCorp Variant Classification Summary - May 2015. Collection method: clinical testing. Allele origin: germline.
Comment: Variant summary: ARHGEF10 c.3598G>C (p.Asp1200His) results in a non-conservative amino acid change in the encoded protein sequence. Algorithms developed to predict the effect of missense changes on protein structure and function are either unavailable or do not agree on the potential impact of this missense change. The variant allele was found at a frequency of 4e-06 in 251396 control chromosomes. The available data on variant occurrences in the general population are insufficient to allow any conclusion about variant significance. To our knowledge, no occurrence of c.3598G>C in individuals affected with Autosomal dominant slowed nerve conduction velocity and no experimental evidence demonstrating its impact on protein function have been reported. ClinVar contains an entry for this variant (Variation ID: 2193157). Based on the evidence outlined above, the variant was classified as uncertain significance.

Labcorp Genetics (formerly Invitae), Labcorp
Classification: Uncertain significance. Last evaluated: 2024-10-15. Review status: criteria provided, single submitter. Criteria: Invitae Variant Classification Sherloc (09022015). Collection method: clinical testing. Allele origin: germline.
Comment: This sequence change replaces aspartic acid, which is acidic and polar, with histidine, which is basic and polar, at codon 1200 of the ARHGEF10 protein (p.Asp1200His). This variant is present in population databases (rs140499510, gnomAD 0.0009%). This variant has not been reported in the literature in individuals affected with ARHGEF10-related conditions. ClinVar contains an entry for this variant (Variation ID: 2193157). Invitae Evidence Modeling of protein sequence and biophysical properties (such as structural, functional, and spatial information, amino acid conservation, physicochemical variation, residue mobility, and thermodynamic stability) indicates that this missense variant is not expected to disrupt ARHGEF10 protein function with a negative predictive value of 80%. In summary, the available evidence is currently insufficient to determine the role of this variant in disease. Therefore, it has been classified as a Variant of Uncertain Significance.

NM_014629.4(ARHGEF10):c.3598G>C (p.Asp1200His)

Gene: ARHGEF10 (Rho guanine nucleotide exchange factor 10; plus strand). Cytogenetic location: 8p23.3.
Variant type: single nucleotide variant.
Coding change: c.3598G>C on transcript NM_014629.4 (MANE Select); coding-DNA position 3598, G replaced by C.
Protein change: p.Asp1200His; replaces aspartic acid 1200 with histidine.
Molecular consequence: missense variant.
Genome position (GRCh38, 1-based): chr8:1,956,826, G>C. VCF-style: chr8-1956826-G-C. GRCh37 (hg19) VCF-style: chr8-1904992-G-C.
Other names: c.3484G>C, p.Asp1162His (NM_001308152.2); c.3598G>C, p.Asp1200His (NM_001308153.3); short protein forms D1200H, D1162H, D1224H.
Identifiers: ClinVar variation 2193157 (VCV002193157.5), dbSNP rs140499510, ClinGen allele CA4601438.